The following is an entry in ClinVar:

ClinVar aggregate classification (germline): Conflicting classifications of pathogenicity. Review status: criteria provided, conflicting classifications (1 of 4 stars). 2 submissions from 2 submitters: Uncertain significance (1); Likely benign (1). Last evaluated 2025-12-23.

Conditions:
POLD1-related polyposis and colorectal cancer syndrome (CRCS10). Also called: Colorectal cancer 10; COLORECTAL CANCER, SUSCEPTIBILITY TO, ON CHROMOSOME 19q; Colorectal cancer, susceptibility to, 10. Identifiers: Orphanet 220460, MedGen C2675481, MONDO:0012953, OMIM 612591.
Hereditary cancer-predisposing syndrome. Also called: Hereditary Cancer Syndrome; Hereditary neoplastic syndrome; Neoplastic Syndromes, Hereditary; Tumor predisposition. Identifiers: Orphanet 140162, MedGen C0027672, MeSH D009386, MONDO:0015356.

gnomAD v4.1: 1 of 1,611,816 alleles (0.000062%); no homozygotes.

Submissions (2):

Labcorp Genetics (formerly Invitae), Labcorp
Classification: Likely benign for POLD1-related polyposis and colorectal cancer syndrome. Last evaluated: 2025-12-23. Review status: criteria provided, single submitter. Criteria: Invitae Variant Classification Sherloc (09022015). Collection method: clinical testing. Allele origin: germline.

Ambry Genetics
Classification: Uncertain significance for Hereditary cancer-predisposing syndrome. Last evaluated: 2025-04-29. Review status: criteria provided, single submitter. Criteria: Ambry Variant Classification Scheme 2023. Collection method: clinical testing. Allele origin: germline.
Comment: The c.2565-5T>C intronic variant results from a T to C substitution 5 nucleotides upstream from coding exon 20 in the POLD1 gene. This nucleotide position is poorly conserved in available vertebrate species. In silico splice site analysis predicts that this alteration will not have any significant effect on splicing. Based on the available evidence, the clinical significance of this variant remains unclear.

NM_002691.4(POLD1):c.2565-5T>C

Gene: POLD1 (DNA polymerase delta 1, catalytic subunit; plus strand). Cytogenetic location: 19q13.33.
Variant type: single nucleotide variant.
Coding change: c.2565-5T>C on transcript NM_002691.4 (MANE Select); 5 bases into the intron before coding-DNA position 2565, T replaced by C.
Molecular consequence: intron variant.
Genome position (GRCh38, 1-based): chr19:50,415,433, T>C. VCF-style: chr19-50415433-T-C. GRCh37 (hg19) VCF-style: chr19-50918690-T-C.
Other names: c.2565-5T>C (NM_001256849.1); c.2643-5T>C (NM_001308632.1).
Identifiers: ClinVar variation 1596066 (VCV001596066.11), dbSNP rs2122474072, ClinGen allele CA2573156739.
Genomic context (GRCh38, chr19:50,415,433, plus strand): 5'-CCGTGGAGGCACCAGCCTGGCCCTCAGTGCCTTTTGGTGACGCTGTGCGGCCCGCTCTCC[T>C]ACAGAGACCCTGAGGGCGCGGTGGCTCACGCACAGGACGTCATCTCGGACCTGCTGTGCA-3'